The following is an entry in ClinVar:

ClinVar aggregate classification (germline): Uncertain significance. Review status: criteria provided, multiple submitters, no conflicts (2 of 4 stars). 2 submissions from 2 submitters: Uncertain significance (2). Last evaluated 2025-05-28.

Conditions:
Familial cold autoinflammatory syndrome 3 (FCAS3). Also called: FAMILIAL ATYPICAL COLD URTICARIA; ANTIBODY DEFICIENCY AND IMMUNE DYSREGULATION, PLCG2-ASSOCIATED. Identifiers: Orphanet 300359, MedGen C3280914, MONDO:0013766, OMIM 614468.

Submissions (2):

Labcorp Genetics (formerly Invitae), Labcorp
Classification: Uncertain significance for Familial cold autoinflammatory syndrome 3. Last evaluated: 2025-05-28. Review status: criteria provided, single submitter. Criteria: Invitae Variant Classification Sherloc (09022015). Collection method: clinical testing. Allele origin: germline.
Comment: This sequence change replaces aspartic acid, which is acidic and polar, with glycine, which is neutral and non-polar, at codon 93 of the PLCG2 protein (p.Asp93Gly). This variant is not present in population databases (gnomAD no frequency). This variant has not been reported in the literature in individuals affected with PLCG2-related conditions. An algorithm developed to predict the effect of missense changes on protein structure and function (PolyPhen-2) suggests that this variant is likely to be tolerated. In summary, the available evidence is currently insufficient to determine the role of this variant in disease. Therefore, it has been classified as a Variant of Uncertain Significance.

Blueprint Genetics
Classification: Uncertain significance. Last evaluated: 2023-05-31. Review status: criteria provided, single submitter. Criteria: ACMG Guidelines, 2015. Collection method: clinical testing. Allele origin: germline.

NM_002661.5(PLCG2):c.278A>G (p.Asp93Gly)

Gene: PLCG2 (phospholipase C gamma 2; plus strand). Cytogenetic location: 16q23.3.
Variant type: single nucleotide variant.
Coding change: c.278A>G on transcript NM_002661.5 (MANE Select); coding-DNA position 278, A replaced by G.
Protein change: p.Asp93Gly; replaces aspartic acid 93 with glycine.
Molecular consequence: missense variant.
Genome position (GRCh38, 1-based): chr16:81,854,528, A>G. VCF-style: chr16-81854528-A-G. GRCh37 (hg19) VCF-style: chr16-81888133-A-G.
Other names: c.278A>G, p.Asp93Gly (NM_001425749.1, NM_001425750.1, NM_001425751.1); short protein forms D93G.
Identifiers: ClinVar variation 4764844 (VCV004764844.2).